The following is an entry in ClinVar:

ClinVar aggregate classification (germline): Uncertain significance (1 of 4 stars; one submission).

Conditions:
Long QT syndrome (LQTS). Identifiers: MedGen C0023976, MeSH D008133, MONDO:0002442. Disease mechanism: loss of function. Inheritance: Various modes of inheritance.

Submission:

Labcorp Genetics (formerly Invitae), Labcorp
Classification: Uncertain significance for Long QT syndrome. Last evaluated: 2024-05-07. Review status: criteria provided, single submitter. Criteria: Invitae Variant Classification Sherloc (09022015). Collection method: clinical testing. Allele origin: germline.
Comment: This sequence change replaces alanine, which is neutral and non-polar, with threonine, which is neutral and polar, at codon 505 of the SNTA1 protein (p.Ala505Thr). This variant is not present in population databases (gnomAD no frequency). This variant has not been reported in the literature in individuals affected with SNTA1-related conditions. An algorithm developed to predict the effect of missense changes on protein structure and function (PolyPhen-2) suggests that this variant is likely to be disruptive. In summary, the available evidence is currently insufficient to determine the role of this variant in disease. Therefore, it has been classified as a Variant of Uncertain Significance.

NM_003098.3(SNTA1):c.1513G>A (p.Ala505Thr)

Gene: SNTA1 (syntrophin alpha 1; minus strand). Cytogenetic location: 20q11.21.
Variant type: single nucleotide variant.
Coding change: c.1513G>A on transcript NM_003098.3 (MANE Select); coding-DNA position 1513, G replaced by A.
Protein change: p.Ala505Thr; replaces alanine 505 with threonine.
Molecular consequence: missense variant. On other transcripts: 3 prime UTR variant (1).
Genome position (GRCh38, 1-based): chr20:33,408,512, C>T on the plus strand (G>A on the coding strand, the complement: SNTA1 is on the minus strand). VCF-style: chr20-33408512-C-T. GRCh37 (hg19) VCF-style: chr20-31996318-C-T.
Other names: c.1510G>A, p.Ala504Thr (NM_001424413.1); c.*54G>A (NM_001424414.1); short protein forms A504T, A505T.
Identifiers: ClinVar variation 3618545 (VCV003618545.2).
Genomic context (GRCh38, chr20:33,408,512, plus strand): 5'-CAGCTCAGGCCATGTCATGGACACCCCTCTTCAGGGCTAGTGCATCCGGCGACTTCTAGG[C>T]CAACAGCCCGAGGCGGGTGACTTTGGCCGACAGGAAGGAGTGGATGATGAAGACTATGGT-3'
Protein context (NP_003089.1, residues 495-505): SAKVTRLGLL[Ala505Thr]